The following is an entry in ClinVar:

NM_000051.4(ATM):c.7518A>T (p.Arg2506Ser)

Genes: ATM (ATM serine/threonine kinase; plus strand), C11orf65 (chromosome 11 open reading frame 65; minus strand). Cytogenetic location: 11q22.3.
Variant type: single nucleotide variant.
Coding change: c.7518A>T on transcript NM_000051.4 (MANE Select); coding-DNA position 7518, A replaced by T.
Protein change: p.Arg2506Ser; replaces arginine 2506 with serine.
Molecular consequence: missense variant. On other transcripts: non-coding transcript variant (1), intron variant (2).
Genome position (GRCh38, 1-based): chr11:108,331,446, A>T. VCF-style: chr11-108331446-A-T. GRCh37 (hg19) VCF-style: chr11-108202173-A-T.
Other names: c.7518A>T, p.Arg2506Ser (NM_001351834.2); c.641-22375T>A (NM_001330368.2); c.*38+3774T>A (NM_001351110.2); short protein forms R2506S.
Identifiers: ClinVar variation 3451434 (VCV003451434.1).
Genomic context (GRCh38, chr11:108,331,446, plus strand): 5'-ATGTGAGAATATTTGAAATACCTTGTTTCTTAATTTTGTGTCTTTTTTTTAATGGTAGAG[A>T]GACGGAATGAAGATTCCAACATATAAATTTTTGCCTCTTATGTACCAATTGGCTGCTAGA-3'
Protein context (NP_000042.3, residues 2496-2516): GVSEVNGMMK[Arg2506Ser]DGMKIPTYKF

ClinVar aggregate classification (germline): Uncertain significance (1 of 4 stars; one submission).

Conditions:
Hereditary cancer-predisposing syndrome. Also called: Tumor predisposition; Hereditary Cancer Syndrome; Neoplastic Syndromes, Hereditary; Hereditary neoplastic syndrome. Identifiers: Orphanet 140162, MedGen C0027672, MeSH D009386, MONDO:0015356.

Submission:

Ambry Genetics
Classification: Uncertain significance for Hereditary cancer-predisposing syndrome. Last evaluated: 2024-09-19. Review status: criteria provided, single submitter. Criteria: Ambry Variant Classification Scheme 2023. Collection method: clinical testing. Allele origin: germline.
Comment: The p.R2506S variant (also known as c.7518A>T), located in coding exon 50 of the ATM gene, results from an A to T substitution at nucleotide position 7518. The arginine at codon 2506 is replaced by serine, an amino acid with dissimilar properties. This amino acid position is conserved. In addition, this alteration is predicted to be tolerated by in silico analysis. Based on the available evidence, the clinical significance of this variant remains unclear.